The following is an entry in ClinVar:

ClinVar aggregate classification (germline): Uncertain significance. Review status: criteria provided, multiple submitters, no conflicts (2 of 4 stars). 3 submissions from 3 submitters: Uncertain significance (3). Last evaluated 2024-07-27.

Conditions:
Cardiovascular phenotype. Identifiers: MedGen CN230736.
Cardiomyopathy (CMYO). Also called: Cardiomyopathies. Identifiers: Orphanet 167848, MedGen C0878544, MONDO:0004994, HP:0001638. Inheritance: Various modes of inheritance.
Catecholaminergic polymorphic ventricular tachycardia 1. Also called: VENTRICULAR TACHYCARDIA, CATECHOLAMINERGIC POLYMORPHIC, 1, WITH OR WITHOUT ATRIAL DYSFUNCTION AND/OR DILATED CARDIOMYOPATHY; RYR2-Related Catecholaminergic Polymorphic Ventricular Tachycardia; VENTRICULAR TACHYCARDIA, STRESS-INDUCED POLYMORPHIC 1. Identifiers: Orphanet 3286, MedGen C1631597, MONDO:0011484, OMIM 604772.

Allele frequency attached by ClinVar (database versions not stated): gnomAD below 0.00001 and 0.00001; gnomAD exomes below 0.00001.
gnomAD v4.1: 3 of 1,592,850 alleles (0.00019%); highest among the groups gnomAD compares: South Asian, 0.0011%; no homozygotes.

Submissions (3):

Labcorp Genetics (formerly Invitae), Labcorp
Classification: Uncertain significance for Catecholaminergic polymorphic ventricular tachycardia 1. Last evaluated: 2024-07-27. Review status: criteria provided, single submitter. Criteria: Invitae Variant Classification Sherloc (09022015). Collection method: clinical testing. Allele origin: germline.
Comment: This sequence change replaces arginine, which is basic and polar, with lysine, which is basic and polar, at codon 2581 of the RYR2 protein (p.Arg2581Lys). This variant is not present in population databases (gnomAD no frequency). This variant has not been reported in the literature in individuals affected with RYR2-related conditions. ClinVar contains an entry for this variant (Variation ID: 862905). Advanced modeling of protein sequence and biophysical properties (such as structural, functional, and spatial information, amino acid conservation, physicochemical variation, residue mobility, and thermodynamic stability) has been performed at Invitae for this missense variant, however the output from this modeling did not meet the statistical confidence thresholds required to predict the impact of this variant on RYR2 protein function. In summary, the available evidence is currently insufficient to determine the role of this variant in disease. Therefore, it has been classified as a Variant of Uncertain Significance.

Color Diagnostics, LLC DBA Color Health
Classification: Uncertain significance for Cardiomyopathy. Last evaluated: 2024-03-06. Review status: criteria provided, single submitter. Criteria: ACMG Guidelines, 2015. Collection method: clinical testing. Allele origin: germline.
Comment: This missense variant replaces arginine with lysine at codon 2581 of the RYR2 protein. Computational prediction is inconclusive regarding the impact of this variant on protein structure and function (internally defined REVEL score threshold 0.5 < inconclusive < 0.7, PMID: 27666373). Splice site prediction tools suggest that this variant may not impact RNA splicing. To our knowledge, functional studies have not been performed for this variant. This variant has not been reported in individuals affected with cardiovascular disorders in the literature. This variant has not been identified in the general population by the Genome Aggregation Database (gnomAD). The available evidence is insufficient to determine the role of this variant in disease conclusively. Therefore, this variant is classified as a Variant of Uncertain Significance.

Ambry Genetics
Classification: Uncertain significance for Cardiovascular phenotype. Last evaluated: 2022-06-08. Review status: criteria provided, single submitter. Criteria: Ambry Variant Classification Scheme 2023. Collection method: clinical testing. Allele origin: germline.
Comment: The p.R2581K variant (also known as c.7742G>A), located in coding exon 51 of the RYR2 gene, results from a G to A substitution at nucleotide position 7742. The arginine at codon 2581 is replaced by lysine, an amino acid with highly similar properties. This amino acid position is highly conserved in available vertebrate species. In addition, this alteration is predicted to be deleterious by in silico analysis. Since supporting evidence is limited at this time, the clinical significance of this alteration remains unclear.

NM_001035.3(RYR2):c.7742G>A (p.Arg2581Lys)

Gene: RYR2 (ryanodine receptor 2; plus strand). Cytogenetic location: 1q43.
Variant type: single nucleotide variant.
Coding change: c.7742G>A on transcript NM_001035.3 (MANE Select); coding-DNA position 7742, G replaced by A.
Protein change: p.Arg2581Lys; replaces arginine 2581 with lysine.
Molecular consequence: missense variant.
Genome position (GRCh38, 1-based): chr1:237,651,419, G>A. VCF-style: chr1-237651419-G-A. GRCh37 (hg19) VCF-style: chr1-237814719-G-A.
Other names: short protein forms R2581K.
Identifiers: ClinVar variation 862905 (VCV000862905.18), dbSNP rs1682718413, ClinGen allele CA345399504.